The following is an entry in ClinVar:

NM_002805.6(PSMC5):c.993T>G (p.Ile331Met)

Gene: PSMC5 (proteasome 26S subunit, ATPase 5; plus strand). Cytogenetic location: 17q23.3.
Variant type: single nucleotide variant.
Coding change: c.993T>G on transcript NM_002805.6 (MANE Select); coding-DNA position 993, T replaced by G.
Protein change: p.Ile331Met; replaces isoleucine 331 with methionine.
Molecular consequence: missense variant.
Genome position (GRCh38, 1-based): chr17:63,831,529, T>G. VCF-style: chr17-63831529-T-G. GRCh37 (hg19) VCF-style: chr17-61908889-T-G.
Other names: c.969T>G, p.Ile323Met (NM_001199163.2); short protein forms I323M, I331M.
Identifiers: ClinVar variation 3939665 (VCV003939665.2).

ClinVar aggregate classification (germline): Uncertain significance (1 of 4 stars; one submission).

Submission:

Ambry Genetics
Classification: Uncertain significance. Last evaluated: 2025-08-07. Review status: criteria provided, single submitter. Criteria: Ambry Variant Classification Scheme 2023. Collection method: clinical testing. Allele origin: germline.
Comment: The c.993T>G (p.I331M) alteration is located in exon 10 (coding exon 10) of the PSMC5 gene. This alteration results from a T to G substitution at nucleotide position 993, causing the isoleucine (I) at amino acid position 331 to be replaced by a methionine (M). This variant was not reported in population-based cohorts in the Genome Aggregation Database (gnomAD). This amino acid position is highly conserved in available vertebrate species. This missense alteration is located in a region that has a low rate of benign missense variation (Lek, 2016; Firth, 2009). The in silico prediction for this alteration is inconclusive. Based on insufficient or conflicting evidence, the clinical significance of this alteration remains unclear.